The following is an entry in ClinVar:

NM_001160372.4(TRAPPC9):c.1898C>T (p.Ala633Val)

Gene: TRAPPC9 (trafficking protein particle complex subunit 9; minus strand). Cytogenetic location: 8q24.3.
Variant type: single nucleotide variant.
Coding change: c.1898C>T on transcript NM_001160372.4 (MANE Select); coding-DNA position 1898, C replaced by T.
Protein change: p.Ala633Val; replaces alanine 633 with valine.
Molecular consequence: missense variant. On other transcripts: non-coding transcript variant (1).
Genome position (GRCh38, 1-based): chr8:140,287,691, G>A on the plus strand (C>T on the coding strand, the complement: TRAPPC9 is on the minus strand). VCF-style: chr8-140287691-G-A. GRCh37 (hg19) VCF-style: chr8-141297790-G-A.
Other names: c.1871C>T, p.Ala624Val (NM_001321646.2); c.1919C>T, p.Ala640Val (NM_001374682.1); c.1898C>T, p.Ala633Val (NM_001374683.1, NM_031466.8); c.1754C>T, p.Ala585Val (NM_001374684.1); short protein forms A633V, A624V, A585V, A640V.
Identifiers: ClinVar variation 212421 (VCV000212421.14), dbSNP rs375300224, ClinGen allele CA208932.
Genomic context (GRCh38, chr8:140,287,691, plus strand): 5'-GTCTGCGGGACCCCGACGAGCGTCACTGGGTACAGACCAGATTCAGCCGGAAGAGAAAGC[G>A]CCGCAGGGAGAGACTCGAACTCCACTCCGCTGGTGAGCAGCCCCTAAACCAAGCGACGCA-3'
Protein context (NP_001153844.1, residues 623-643): SGVEFESLPA[Ala633Val]LSLPAESGLY

ClinVar aggregate classification (germline): Uncertain significance. Review status: criteria provided, multiple submitters, no conflicts (2 of 4 stars). 6 submissions from 6 submitters: Uncertain significance (6). Last evaluated 2026-08-28.

Conditions:
Intellectual developmental disorder, autosomal recessive 13. Also called: Intellectual disability, autosomal recessive 13. Identifiers: Orphanet 88616, MedGen C2750791, MONDO:0013173, OMIM 613192.

Allele frequency attached by ClinVar (database versions not stated): TOPMed 0.00029; gnomAD 0.00034 and 0.00036; gnomAD exomes 0.00037 and 0.00042; ExAC 0.00044; ESP Exome Variant Server 0.00062.
gnomAD v4.1: 613 of 1,614,170 alleles (0.038%); highest among the groups gnomAD compares: South Asian, 0.045%; 1 homozygote.

Submissions (6):

GeneDx
Classification: Uncertain significance. Last evaluated: 2026-08-28. Review status: criteria provided, single submitter. Criteria: GeneDx Variant Classification Process June 2021. Collection method: clinical testing. Allele origin: germline.
Comment: In silico analysis suggests that this missense variant does not alter protein structure/function; Has not been previously published as pathogenic or benign to our knowledge

ARUP Laboratories, Molecular Genetics and Genomics, ARUP Laboratories
Classification: Uncertain significance for Intellectual developmental disorder, autosomal recessive 13. Last evaluated: 2023-12-22. Review status: criteria provided, single submitter. Criteria: ARUP Molecular Germline Variant Investigation Process 2024. Collection method: clinical testing. Allele origin: germline.

Pittsburgh Clinical Genomics Laboratory, University of Pittsburgh Medical Center
Classification: Uncertain significance for Intellectual developmental disorder, autosomal recessive 13. Last evaluated: 2022-08-26. Review status: criteria provided, single submitter. Criteria: ACMG Guidelines, 2015. Collection method: clinical testing. Allele origin: germline. Inheritance: Autosomal recessive inheritance. Affected: yes.
Comment: This sequence variant is a single nucleotide substitution (C>T) at coding position 1898 of the TRAPPC9 gene that results in an alanine to valine amino acid change at residue 633 of the TRAPPC9 protein. This is a previously reported variant (ClinVar) that has been observed in the literature in a cohort of individuals with severe specific language impairment (PMID: 28440294). This variant is present in healthy population datasets (gnomAD database, 114 of 282816 alleles or 0.04%). Multiple bioinformatic tools predict that this variant would be damaging, and the Ala633 residue is highly conserved across the vertebrate species examined. Functiol studies testing the effect of this variant on protein structure or activity have not been performed, to our knowledge. At this time, there is insufficient evidence to determine if this variant is pathogenic or benign. Therefore, we consider this to be a variant of uncertain significance. ACMG Criteria: BP1, PP3

Labcorp Genetics (formerly Invitae), Labcorp
Classification: Uncertain significance. Last evaluated: 2022-07-01. Review status: criteria provided, single submitter. Criteria: Invitae Variant Classification Sherloc (09022015). Collection method: clinical testing. Allele origin: germline.
Comment: This sequence change replaces alanine, which is neutral and non-polar, with valine, which is neutral and non-polar, at codon 731 of the TRAPPC9 protein (p.Ala731Val). This variant is present in population databases (rs375300224, gnomAD 0.1%). This variant has not been reported in the literature in individuals affected with TRAPPC9-related conditions. ClinVar contains an entry for this variant (Variation ID: 212421). Algorithms developed to predict the effect of missense changes on protein structure and function are either unavailable or do not agree on the potential impact of this missense change (SIFT: "Not Available"; PolyPhen-2: "Probably Damaging"; Align-GVGD: "Not Available"). In summary, the available evidence is currently insufficient to determine the role of this variant in disease. Therefore, it has been classified as a Variant of Uncertain Significance.

Baylor Genetics
Classification: Uncertain significance for Intellectual developmental disorder, autosomal recessive 13. Last evaluated: 2019-08-29. Review status: criteria provided, single submitter. Criteria: ACMG Guidelines, 2015. Collection method: clinical testing. Allele origin: unknown. Affected: yes.
Comment: This variant was determined to be of uncertain significance according to ACMG Guidelines, 2015 [PMID:25741868].

Genetic Services Laboratory, University of Chicago
Classification: Uncertain significance. Last evaluated: 2014-08-08. Review status: criteria provided, single submitter. Criteria: ACMG Guidelines, 2015. Collection method: clinical testing. Allele origin: germline.

Literature cited by the submitters: PubMed 28440294 (cited by Pittsburgh Clinical Genomics Laboratory, University of Pittsburgh Medical Center).